The following is an entry in ClinVar:

ClinVar aggregate classification (germline): Uncertain significance (1 of 4 stars; one submission).

Conditions:
Ataxia-telangiectasia syndrome (AT). Also called: AT, COMPLEMENTATION GROUP C; Ataxia telangiectasia (A-T); LOUIS-BAR SYNDROME; Cerebello-oculocutaneous telangiectasia; Immunodeficiency with ataxia telangiectasia; Ataxia-telangiectasia, complementation group D. Identifiers: Orphanet 100, MedGen C0004135, MONDO:0008840, OMIM 208900.

Allele frequency attached by ClinVar (database versions not stated): gnomAD exomes below 0.00001.
gnomAD v4.1: 1 of 1,613,426 alleles (0.000062%); highest among the groups gnomAD compares: Non-Finnish European, 0.000085%; no homozygotes.

Submission:

Labcorp Genetics (formerly Invitae), Labcorp
Classification: Uncertain significance for Ataxia-telangiectasia syndrome. Last evaluated: 2023-07-10. Review status: criteria provided, single submitter. Criteria: Invitae Variant Classification Sherloc (09022015). Collection method: clinical testing. Allele origin: germline.
Comment: This variant is not present in population databases (gnomAD no frequency). In summary, the available evidence is currently insufficient to determine the role of this variant in disease. Therefore, it has been classified as a Variant of Uncertain Significance. Algorithms developed to predict the effect of missense changes on protein structure and function output the following: SIFT: "Not Available"; PolyPhen-2: "Benign"; Align-GVGD: "Not Available". The asparagine amino acid residue is found in multiple mammalian species, which suggests that this missense change does not adversely affect protein function. ClinVar contains an entry for this variant (Variation ID: 2152129). This variant has not been reported in the literature in individuals affected with ATM-related conditions. This sequence change replaces serine, which is neutral and polar, with asparagine, which is neutral and polar, at codon 1362 of the ATM protein (p.Ser1362Asn).

NM_000051.4(ATM):c.4085G>A (p.Ser1362Asn)

Gene: ATM (ATM serine/threonine kinase; plus strand). Cytogenetic location: 11q22.3.
Variant type: single nucleotide variant.
Coding change: c.4085G>A on transcript NM_000051.4 (MANE Select); coding-DNA position 4085, G replaced by A.
Protein change: p.Ser1362Asn; replaces serine 1362 with asparagine.
Molecular consequence: missense variant.
Genome position (GRCh38, 1-based): chr11:108,287,691, G>A. VCF-style: chr11-108287691-G-A. GRCh37 (hg19) VCF-style: chr11-108158418-G-A.
Other names: c.4085G>A, p.Ser1362Asn (NM_001351834.2); short protein forms S1362N.
Identifiers: ClinVar variation 2152129 (VCV002152129.4), dbSNP rs923836140, ClinGen allele CA228371625.